The following is an entry in ClinVar:

ClinVar aggregate classification (germline): Uncertain significance (1 of 4 stars; one submission).

Allele frequency attached by ClinVar (database versions not stated): gnomAD 0.00001; gnomAD exomes 0.00001; TOPMed 0.00001.
gnomAD v4.1: 10 of 1,613,828 alleles (0.00062%); highest among the groups gnomAD compares: Non-Finnish European, 0.00076%; no homozygotes.

Submission:

Labcorp Genetics (formerly Invitae), Labcorp
Classification: Uncertain significance. Last evaluated: 2021-04-05. Review status: criteria provided, single submitter. Criteria: Invitae Variant Classification Sherloc (09022015). Collection method: clinical testing. Allele origin: germline.
Comment: This sequence change replaces isoleucine with threonine at codon 53 of the SLC44A4 protein (p.Ile53Thr). This variant is not present in population databases (ExAC no frequency). This variant has not been reported in the literature in individuals with SLC44A4-related conditions. Algorithms developed to predict the effect of missense changes on protein structure and function output the following: SIFT: "Not Available"; PolyPhen-2: "Possibly Damaging"; Align-GVGD: "Not Available". The threonine amino acid residue is found in multiple mammalian species, suggesting that this missense change does not adversely affect protein function. These predictions have not been confirmed by published functional studies and their clinical significance is uncertain. In summary, the available evidence is currently insufficient to determine the role of this variant in disease. Therefore, it has been classified as a Variant of Uncertain Significance.

NM_025257.3(SLC44A4):c.158T>C (p.Ile53Thr)

Gene: SLC44A4 (solute carrier family 44 member 4; minus strand). Cytogenetic location: 6p21.33.
Variant type: single nucleotide variant.
Coding change: c.158T>C on transcript NM_025257.3 (MANE Select); coding-DNA position 158, T replaced by C.
Protein change: p.Ile53Thr; replaces isoleucine 53 with threonine.
Molecular consequence: missense variant. On other transcripts: 5 prime UTR variant (1).
Genome position (GRCh38, 1-based): chr6:31,876,061, A>G on the plus strand (T>C on the coding strand, the complement: SLC44A4 is on the minus strand). VCF-style: chr6-31876061-A-G. GRCh37 (hg19) VCF-style: chr6-31843838-A-G.
Other names: c.158T>C, p.Ile53Thr (NM_001178044.2); c.-71T>C (NM_001178045.2); short protein forms I53T.
Identifiers: ClinVar variation 1480024 (VCV001480024.6), dbSNP rs957907913, ClinGen allele CA136889441.